The following is an entry in ClinVar:

NM_175737.4(KLB):c.2724del (p.Lys909fs)

Gene: KLB (klotho beta; plus strand). Cytogenetic location: 4p14.
Variant type: Deletion.
Coding change: c.2724del on transcript NM_175737.4 (MANE Select); coding-DNA position 2724, one base deleted (G; older notation c.2724delG).
Protein change: p.Lys909fs; shifts the reading frame from lysine 909.
Molecular consequence: frameshift variant.
Genome position (GRCh38, 1-based): chr4:39,447,450, G deleted; the last of 3 consecutive G bases (chr4:39,447,448-39,447,450); deleting any one gives the same sequence. VCF-style (leftmost placement, unchanged base first): chr4-39447447-AG-A. GRCh37 (hg19) VCF-style: chr4-39449067-AG-A.
Other names: short protein forms K909fs.
Identifiers: ClinVar variation 1933244 (VCV001933244.5), dbSNP rs770585493, ClinGen allele CA2894071.

ClinVar aggregate classification (germline): Uncertain significance (1 of 4 stars; one submission).

Submission:

Labcorp Genetics (formerly Invitae), Labcorp
Classification: Uncertain significance. Last evaluated: 2024-11-01. Review status: criteria provided, single submitter. Criteria: Invitae Variant Classification Sherloc (09022015). Collection method: clinical testing. Allele origin: germline.
Comment: This sequence change creates a premature translational stop signal (p.Lys909Serfs*7) in the KLB gene. While this is not anticipated to result in nonsense mediated decay, it is expected to disrupt the last 136 amino acid(s) of the KLB protein. This variant is not present in population databases (gnomAD no frequency). This variant has not been reported in the literature in individuals affected with KLB-related conditions. ClinVar contains an entry for this variant (Variation ID: 1933244). Experimental studies and prediction algorithms are not available or were not evaluated, and the functional significance of this variant is currently unknown. In summary, the available evidence is currently insufficient to determine the role of this variant in disease. Therefore, it has been classified as a Variant of Uncertain Significance.